The following is an entry in ClinVar:

NM_177438.3(DICER1):c.2931C>A (p.Asn977Lys)

Gene: DICER1 (dicer 1, ribonuclease III; minus strand). Cytogenetic location: 14q32.13.
Variant type: single nucleotide variant.
Coding change: c.2931C>A on transcript NM_177438.3 (MANE Select); coding-DNA position 2931, C replaced by A.
Protein change: p.Asn977Lys; replaces asparagine 977 with lysine.
Molecular consequence: missense variant.
Genome position (GRCh38, 1-based): chr14:95,106,097, G>T on the plus strand (C>A on the coding strand, the complement: DICER1 is on the minus strand). VCF-style: chr14-95106097-G-T. GRCh37 (hg19) VCF-style: chr14-95572434-G-T.
Other names: c.2931C>A, p.Asn977Lys (NM_001195573.1, NM_001271282.3, NM_001291628.2 and 1 more transcripts); short protein forms N977K.
Identifiers: ClinVar variation 639173 (VCV000639173.13), dbSNP rs1595373885, ClinGen allele CA390878921.

ClinVar aggregate classification (germline): Uncertain significance. Review status: criteria provided, multiple submitters, no conflicts (2 of 4 stars). 2 submissions from 2 submitters: Uncertain significance (2). Last evaluated 2025-12-07.

Conditions:
DICER1-related tumor predisposition. Also called: DICER1-related pleuropulmonary blastoma cancer predisposition syndrome; DICER1 syndrome. Identifiers: Orphanet 284343, MedGen C3839822, MONDO:0100216.
Hereditary cancer-predisposing syndrome. Also called: Hereditary Cancer Syndrome; Neoplastic Syndromes, Hereditary; Tumor predisposition; Hereditary neoplastic syndrome. Identifiers: Orphanet 140162, MedGen C0027672, MeSH D009386, MONDO:0015356.

Submissions (2):

Ambry Genetics
Classification: Uncertain significance for Hereditary cancer-predisposing syndrome. Last evaluated: 2025-12-07. Review status: criteria provided, single submitter. Criteria: Ambry Variant Classification Scheme 2023. Collection method: clinical testing. Allele origin: germline.
Comment: The p.N977K variant (also known as c.2931C>A), located in coding exon 17 of the DICER1 gene, results from a C to A substitution at nucleotide position 2931. The asparagine at codon 977 is replaced by lysine, an amino acid with similar properties. This amino acid position is conserved. In addition, this alteration is predicted to be tolerated by in silico analysis. Based on the available evidence, the clinical significance of this variant remains unclear.

Labcorp Genetics (formerly Invitae), Labcorp
Classification: Uncertain significance for DICER1-related tumor predisposition. Last evaluated: 2021-02-02. Review status: criteria provided, single submitter. Criteria: Invitae Variant Classification Sherloc (09022015). Collection method: clinical testing. Allele origin: germline.
Comment: In summary, the available evidence is currently insufficient to determine the role of this variant in disease. Therefore, it has been classified as a Variant of Uncertain Significance. Algorithms developed to predict the effect of missense changes on protein structure and function are either unavailable or do not agree on the potential impact of this missense change (SIFT: "Tolerated"; PolyPhen-2: "Possibly Damaging"; Align-GVGD: "Class C0"). This variant has not been reported in the literature in individuals with DICER1-related conditions. This variant is not present in population databases (ExAC no frequency). This sequence change replaces asparagine with lysine at codon 977 of the DICER1 protein (p.Asn977Lys). The asparagine residue is highly conserved and there is a moderate physicochemical difference between asparagine and lysine.